The following is an entry in ClinVar:

NM_153252.5(BRWD3):c.3724A>G (p.Ile1242Val)

Gene: BRWD3 (bromodomain and WD repeat domain containing 3; minus strand). Cytogenetic location: Xq21.1.
Variant type: single nucleotide variant.
Coding change: c.3724A>G on transcript NM_153252.5 (MANE Select); coding-DNA position 3724, A replaced by G.
Protein change: p.Ile1242Val; replaces isoleucine 1242 with valine.
Molecular consequence: missense variant.
Genome position (GRCh38, 1-based): chrX:80,689,971, T>C on the plus strand (A>G on the coding strand, the complement: BRWD3 is on the minus strand). VCF-style: chrX-80689971-T-C. GRCh37 (hg19) VCF-style: chrX-79945470-T-C.
Other names: c.3724A>G (NM_153252.4); short protein forms I1242V.
Identifiers: ClinVar variation 2441658 (VCV002441658.4), dbSNP rs2072589400, ClinGen allele CA413615812.
Genomic context (GRCh38, chrX:80,689,971, plus strand): 5'-ATTAATTTTTTAAAAACCTTAAGTTAGACTCTCTGGAAGCTAAAACTGCTTCTTACCCAA[T>C]AAATCGAAGTAAGACATCAGTTACAATTTTAGCTGCTTTAACTATAGGACTGTCTGGCTC-3'
Protein context (NP_694984.5, residues 1232-1252): KIVTDVLLRF[Ile1242Val]GDQSCTDILD

ClinVar aggregate classification (germline): Uncertain significance. Review status: criteria provided, multiple submitters, no conflicts (2 of 4 stars). 2 submissions from 2 submitters: Uncertain significance (2). Last evaluated 2023-05-08.

Conditions:
Inborn genetic diseases. Identifiers: MedGen C0950123, MeSH D030342.
Intellectual developmental disorder, X-linked 93. Also called: Intellectual disability, X-linked 93; MENTAL RETARDATION, X-LINKED, WITH MACROCEPHALY. Identifiers: MedGen C1970841, MONDO:0010393, OMIM 300659.

Allele frequency attached by ClinVar (database versions not stated): gnomAD exomes below 0.00001; TOPMed 0.00001.
gnomAD v4.1: 1 of 1,208,562 alleles (0.000083%); highest among the groups gnomAD compares: South Asian, 0.0018%; no homozygotes.

Submissions (2):

Ambry Genetics
Classification: Uncertain significance for Inborn genetic diseases. Last evaluated: 2023-05-08. Review status: criteria provided, single submitter. Criteria: Ambry Variant Classification Scheme 2023. Collection method: clinical testing. Allele origin: germline.
Comment: The c.3724A>G (p.I1242V) alteration is located in exon 32 (coding exon 32) of the BRWD3 gene. This alteration results from an A to G substitution at nucleotide position 3724, causing the isoleucine (I) at amino acid position 1242 to be replaced by a valine (V). This variant was not reported in population-based cohorts in the Genome Aggregation Database (gnomAD). This amino acid position is highly conserved in available vertebrate species. This alteration is predicted to be tolerated by in silico analysis. Based on insufficient or conflicting evidence, the clinical significance of this alteration remains unclear.

Baylor Genetics
Classification: Uncertain significance for Intellectual developmental disorder, X-linked 93. Last evaluated: 2022-08-29. Review status: criteria provided, single submitter. Criteria: ACMG Guidelines, 2015. Collection method: clinical testing. Allele origin: unknown.